The following is an entry in ClinVar:

ClinVar aggregate classification (germline): Benign. Review status: criteria provided, multiple submitters, no conflicts (2 of 4 stars). 5 submissions from 5 submitters: Benign (4). 1 of the submissions does not count toward it. Last evaluated 2026-02-04.

Conditions:
Cardiovascular phenotype. Identifiers: MedGen CN230736.
Alstrom syndrome (ALMS). Identifiers: Orphanet 64, MedGen C0268425, MONDO:0008763, OMIM 203800.

Allele frequency attached by ClinVar (database versions not stated): gnomAD 0.00001 and 0.00033; TOPMed 0.00005; gnomAD exomes 0.00077 and 0.00154; ExAC 0.00171; 1000 Genomes Project 0.00399; 1000 Genomes Project 30x 0.00406.
gnomAD v4.1: 1,162 of 1,614,054 alleles (0.072%); highest among the groups gnomAD compares: South Asian, 1.2%; 13 homozygotes.

Submissions (5):

Labcorp Genetics (formerly Invitae), Labcorp
Classification: Benign for Alstrom syndrome. Last evaluated: 2026-02-04. Review status: criteria provided, single submitter. Criteria: Invitae Variant Classification Sherloc (09022015). Collection method: clinical testing. Allele origin: germline.

CeGaT Center for Human Genetics Tuebingen
Classification: Benign. Last evaluated: 2025-07-01. Review status: criteria provided, single submitter. Criteria: CeGaT Center For Human Genetics Tuebingen Variant Classification Criteria Version 2. Collection method: clinical testing. Allele origin: germline. Affected: yes. Observed: 2 variant alleles.
Comment: ALMS1: BS1, BS2

GeneDx
Classification: Benign. Last evaluated: 2020-12-08. Review status: criteria provided, single submitter. Criteria: GeneDx Variant Classification Process June 2021. Collection method: clinical testing. Allele origin: germline. Affected: yes.

Ambry Genetics
Classification: Benign for Cardiovascular phenotype. Last evaluated: 2019-10-22. Review status: criteria provided, single submitter. Criteria: Ambry Variant Classification Scheme 2023. Collection method: clinical testing. Allele origin: germline.

Natera, Inc.
Classification: Benign for Alstrom syndrome. Last evaluated: 2019-12-06. Review status: no assertion criteria provided. Collection method: clinical testing. Allele origin: germline. Not counted in ClinVar's aggregate classification.

NM_001378454.1(ALMS1):c.12298+5G>A

Genes: ALMS1 (ALMS1 centrosome and basal body associated protein; plus strand), LOC126806252 (BRD4-independent group 4 enhancer GRCh37_chr2:73828496-73829695; plus strand). Cytogenetic location: 2p13.1.
Variant type: single nucleotide variant.
Coding change: c.12298+5G>A on transcript NM_001378454.1 (MANE Select); 5 bases into the intron after coding-DNA position 12298, G replaced by A.
Molecular consequence: intron variant.
Genome position (GRCh38, 1-based): chr2:73,602,373, G>A. VCF-style: chr2-73602373-G-A. GRCh37 (hg19) VCF-style: chr2-73829500-G-A.
Other names: c.12301+5G>A (NM_015120.4); c.12298+5G>A (NM_015120.4).
Identifiers: ClinVar variation 389757 (VCV000389757.51), dbSNP rs371853987, ClinGen allele CA1715509.